The following is an entry in ClinVar:

ClinVar aggregate classification (germline): Likely benign. Review status: criteria provided, multiple submitters, no conflicts (2 of 4 stars). 3 submissions from 3 submitters: Likely benign (2). 1 of the submissions does not count toward it. Last evaluated 2026-09-18.

Conditions:
RPGRIP1L-related disorder. Also called: RPGRIP1L-related disorders; RPGRIP1L-related condition. Identifiers: MedGen CN239416.
Meckel-Gruber syndrome. Also called: Dysencephalia splachnocystica; DYSENCEPHALIA SPLANCHNOCYSTICA; GRUBER SYNDROME. Identifiers: Orphanet 564, MedGen C0265215, MONDO:0018921.
Joubert syndrome. Also called: JOUBERT-BOLTSHAUSER SYNDROME; Familial aplasia of the vermis. Identifiers: Orphanet 475, MedGen C5979921, MONDO:0018772.

Allele frequency attached by ClinVar (database versions not stated): ExAC 0.00001; gnomAD exomes 0.00001 and 0.00002.
gnomAD v4.1: 4 of 1,612,840 alleles (0.00025%); highest among the groups gnomAD compares: South Asian, 0.0011%; no homozygotes.

Submissions (3):

PreventionGenetics, part of Exact Sciences
Classification: Likely benign for RPGRIP1L-related condition. Last evaluated: 2026-09-18. Review status: criteria provided, single submitter. Criteria: ACMG Guidelines, 2015. Collection method: clinical testing. Allele origin: germline.
Comment: This variant is classified as likely benign based on ACMG/AMP sequence variant interpretation guidelines (Richards et al. 2015 PMID: 25741868, with internal and published modifications).

Labcorp Genetics (formerly Invitae), Labcorp
Classification: Likely benign for Joubert syndrome; Meckel-Gruber syndrome. Last evaluated: 2024-01-02. Review status: criteria provided, single submitter. Criteria: Invitae Variant Classification Sherloc (09022015). Collection method: clinical testing. Allele origin: germline.

Natera, Inc.
Classification: Uncertain significance for Joubert syndrome. Last evaluated: 2025-05-07. Review status: no assertion criteria provided. Collection method: clinical testing. Allele origin: germline. Not counted in ClinVar's aggregate classification.

NM_015272.5(RPGRIP1L):c.2877A>G (p.Ala959=)

Gene: RPGRIP1L (RPGRIP1 like; minus strand). Cytogenetic location: 16q12.2.
Variant type: single nucleotide variant.
Coding change: c.2877A>G on transcript NM_015272.5 (MANE Select); coding-DNA position 2877, A replaced by G.
Protein change: p.Ala959=; no amino-acid change (alanine 959 retained).
Molecular consequence: synonymous variant.
Genome position (GRCh38, 1-based): chr16:53,641,114, T>C on the plus strand (A>G on the coding strand, the complement: RPGRIP1L is on the minus strand). VCF-style: chr16-53641114-T-C. GRCh37 (hg19) VCF-style: chr16-53675026-T-C.
Other names: c.2877A>G (NM_015272.4); c.2877A>G, p.Ala959= (NM_001127897.4, NM_001308334.3, NM_001330538.2).
Identifiers: ClinVar variation 1080178 (VCV001080178.11), dbSNP rs753020103, ClinGen allele CA8057427.